The following is an entry in ClinVar:

ClinVar aggregate classification (germline): Likely benign (1 of 4 stars; one submission).

Allele frequency attached by ClinVar (database versions not stated): 1000 Genomes Project 0.00240; 1000 Genomes Project 30x 0.00250; TOPMed 0.00473; gnomAD 0.00574; gnomAD exomes 0.00610; ExAC 0.00779.
gnomAD v4.1: 7,869 of 1,303,284 alleles (0.6%); highest among the groups gnomAD compares: South Asian, 0.62%; 32 homozygotes.

Submission:

CeGaT Center for Human Genetics Tuebingen
Classification: Likely benign. Last evaluated: 2022-05-01. Review status: criteria provided, single submitter. Criteria: CeGaT Center For Human Genetics Tuebingen Variant Classification Criteria Version 2. Collection method: clinical testing. Allele origin: germline. Affected: yes. Observed: 1 variant allele.
Comment: HMCN2: BP4, BP7

NM_001291815.2(HMCN2):c.9069C>T (p.Ala3023=)

Gene: HMCN2 (hemicentin 2; plus strand). Cytogenetic location: 9q34.11.
Variant type: single nucleotide variant.
Coding change: c.9069C>T on transcript NM_001291815.2 (MANE Select); coding-DNA position 9069, C replaced by T.
Protein change: p.Ala3023=; no amino-acid change (alanine 3023 retained).
Molecular consequence: synonymous variant.
Genome position (GRCh38, 1-based): chr9:130,384,761, C>T. VCF-style: chr9-130384761-C-T. GRCh37 (hg19) VCF-style: chr9-133260148-C-T.
Identifiers: ClinVar variation 2659595 (VCV002659595.24), dbSNP rs61734919, ClinGen allele CA5282344.